The following is an entry in ClinVar:

ClinVar aggregate classification (germline): Likely benign (1 of 4 stars; one submission).

gnomAD v4.1: 14 of 1,199,646 alleles (0.0012%); highest among the groups gnomAD compares: East Asian, 0.03%; no homozygotes.

Submission:

CeGaT Center for Human Genetics Tuebingen
Classification: Likely benign. Last evaluated: 2025-10-01. Review status: criteria provided, single submitter. Criteria: CeGaT Center For Human Genetics Tuebingen Variant Classification Criteria Version 2. Collection method: clinical testing. Allele origin: germline. Affected: yes. Observed: 1 variant allele.
Comment: FLICR: BS2; PPP1R3F: BP4, BP7, BS2

NM_033215.5(PPP1R3F):c.594C>T (p.Tyr198=)

Gene: PPP1R3F (protein phosphatase 1 regulatory subunit 3F; plus strand). Cytogenetic location: Xp11.23.
Variant type: single nucleotide variant.
Coding change: c.594C>T on transcript NM_033215.5 (MANE Select); coding-DNA position 594, C replaced by T.
Protein change: p.Tyr198=; no amino-acid change (tyrosine 198 retained).
Molecular consequence: synonymous variant. On other transcripts: intron variant (1).
Genome position (GRCh38, 1-based): chrX:49,270,463, C>T. VCF-style: chrX-49270463-C-T. GRCh37 (hg19) VCF-style: chrX-49126926-C-T.
Other names: c.-32+530C>T (NM_001184745.2).
Identifiers: ClinVar variation 4533673 (VCV004533673.6).